The following is an entry in ClinVar:

ClinVar aggregate classification (germline): Benign. Review status: criteria provided, multiple submitters, no conflicts (2 of 4 stars). 2 submissions from 2 submitters: Benign (2). Last evaluated 2026-02-02.

Allele frequency attached by ClinVar (database versions not stated): 1000 Genomes Project 30x 0.00604; 1000 Genomes Project 0.00609; TOPMed 0.01136; gnomAD 0.01364; ESP Exome Variant Server 0.01458; ExAC 0.01560; gnomAD exomes 0.02021.
gnomAD v4.1: 23,507 of 1,209,887 alleles (1.9%); highest among the groups gnomAD compares: Non-Finnish European, 2.3%; 217 homozygotes.

Submissions (14):

Labcorp Genetics (formerly Invitae), Labcorp
Classification: Benign. Last evaluated: 2026-02-02. Review status: criteria provided, single submitter. Criteria: Invitae Variant Classification Sherloc (09022015). Collection method: clinical testing. Allele origin: germline.

Mayo Clinic Laboratories, Mayo Clinic
Classification: Benign. Last evaluated: 2024-03-01. Review status: criteria provided, single submitter. Criteria: ACMG Guidelines, 2015. Collection method: clinical testing. Allele origin: germline. Observed: 18 variant alleles.
Comment: BS1, BS2, BP4, BP7

Dr. Peter K. Rogan Lab, Western University
No classification provided (evidence only). Condition: Clear cell carcinoma of kidney. Review status: no classification provided. Collection method: in vitro. Allele origin: not applicable. Functional consequence: retained intron. Not counted in ClinVar's aggregate classification.

Dr. Peter K. Rogan Lab, Western University
No classification provided (evidence only). Condition: Lung cancer. Review status: no classification provided. Collection method: in vitro. Allele origin: not applicable. Functional consequence: retained intron. Not counted in ClinVar's aggregate classification.

Dr. Peter K. Rogan Lab, Western University
No classification provided (evidence only). Condition: Melanoma. Review status: no classification provided. Collection method: in vitro. Allele origin: not applicable. Functional consequence: retained intron. Not counted in ClinVar's aggregate classification.

Dr. Peter K. Rogan Lab, Western University
No classification provided (evidence only). Condition: Melanoma. Review status: no classification provided. Collection method: in vitro. Allele origin: not applicable. Functional consequence: retained intron. Not counted in ClinVar's aggregate classification.

Dr. Peter K. Rogan Lab, Western University
No classification provided (evidence only). Condition: Melanoma. Review status: no classification provided. Collection method: in vitro. Allele origin: not applicable. Functional consequence: retained intron. Not counted in ClinVar's aggregate classification.

Dr. Peter K. Rogan Lab, Western University
No classification provided (evidence only). Condition: Acute myeloid leukemia. Review status: no classification provided. Collection method: in vitro. Allele origin: not applicable. Functional consequence: retained intron. Not counted in ClinVar's aggregate classification.

Dr. Peter K. Rogan Lab, Western University
No classification provided (evidence only). Condition: Thyroid cancer, nonmedullary, 1. Review status: no classification provided. Collection method: in vitro. Allele origin: not applicable. Functional consequence: retained intron. Not counted in ClinVar's aggregate classification.

Dr. Peter K. Rogan Lab, Western University
No classification provided (evidence only). Condition: Cervical cancer. Review status: no classification provided. Collection method: in vitro. Allele origin: not applicable. Functional consequence: retained intron. Not counted in ClinVar's aggregate classification.

Dr. Peter K. Rogan Lab, Western University
No classification provided (evidence only). Condition: Sarcoma. Review status: no classification provided. Collection method: in vitro. Allele origin: not applicable. Functional consequence: retained intron. Not counted in ClinVar's aggregate classification.

Dr. Peter K. Rogan Lab, Western University
No classification provided (evidence only). Condition: Ovarian serous cystadenocarcinoma. Review status: no classification provided. Collection method: in vitro. Allele origin: not applicable. Functional consequence: retained intron. Not counted in ClinVar's aggregate classification.

Dr. Peter K. Rogan Lab, Western University
No classification provided (evidence only). Condition: Gastric cancer. Review status: no classification provided. Collection method: in vitro. Allele origin: not applicable. Functional consequence: retained intron. Not counted in ClinVar's aggregate classification.

Dr. Peter K. Rogan Lab, Western University
No classification provided (evidence only). Condition: Gastric cancer. Review status: no classification provided. Collection method: in vitro. Allele origin: not applicable. Functional consequence: retained intron. Not counted in ClinVar's aggregate classification.

NM_016562.4(TLR7):c.1035G>A (p.Leu345=)

Gene: TLR7 (toll like receptor 7; plus strand). Cytogenetic location: Xp22.2.
Variant type: single nucleotide variant.
Coding change: c.1035G>A on transcript NM_016562.4 (MANE Select); coding-DNA position 1035, G replaced by A.
Protein change: p.Leu345=; no amino-acid change (leucine 345 retained).
Molecular consequence: synonymous variant.
Genome position (GRCh38, 1-based): chrX:12,886,543, G>A. VCF-style: chrX-12886543-G-A. GRCh37 (hg19) VCF-style: chrX-12904662-G-A.
Other names: p.Leu345=.
Identifiers: ClinVar variation 2043846 (VCV002043846.6), dbSNP rs5743780, ClinGen allele CA10349990.